The following is an entry in ClinVar:

NM_170743.4(IFNLR1):c.302G>A (p.Arg101Gln)

Gene: IFNLR1 (interferon lambda receptor 1; minus strand). Cytogenetic location: 1p36.11.
Variant type: single nucleotide variant.
Coding change: c.302G>A on transcript NM_170743.4 (MANE Select); coding-DNA position 302, G replaced by A.
Protein change: p.Arg101Gln; replaces arginine 101 with glutamine.
Molecular consequence: missense variant.
Genome position (GRCh38, 1-based): chr1:24,169,482, C>T on the plus strand (G>A on the coding strand, the complement: IFNLR1 is on the minus strand). VCF-style: chr1-24169482-C-T. GRCh37 (hg19) VCF-style: chr1-24495972-C-T.
Other names: c.302G>A, p.Arg101Gln (NM_173064.3, NM_173065.3); short protein forms R101Q.
Identifiers: ClinVar variation 2316154 (VCV002316154.3), dbSNP rs199653713, ClinGen allele CA689650.

ClinVar aggregate classification (germline): Conflicting classifications of pathogenicity. Review status: criteria provided, conflicting classifications (1 of 4 stars). 2 submissions from 2 submitters: Uncertain significance (1); Likely benign (1). Last evaluated 2026-03-31.

Conditions:
IFNLR1-related disorder. Also called: IFNLR1-related condition.

Allele frequency attached by ClinVar (database versions not stated): ExAC 0.00005; TOPMed 0.00006; gnomAD 0.00007; ESP Exome Variant Server 0.00008; gnomAD exomes 0.00017.
gnomAD v4.1: 257 of 1,614,072 alleles (0.016%); highest among the groups gnomAD compares: Non-Finnish European, 0.021%; 1 homozygote.

Submissions (2):

PreventionGenetics, part of Exact Sciences
Classification: Uncertain significance for IFNLR1-related condition. Last evaluated: 2026-03-31. Review status: criteria provided, single submitter. Criteria: ACMG Guidelines, 2015. Collection method: clinical testing. Allele origin: germline.
Comment: The IFNLR1 c.302G>A variant is predicted to result in the amino acid substitution p.Arg101Gln. To our knowledge, this variant has not been reported in the literature. This variant is reported in 0.014% of alleles in individuals of Latino descent in gnomAD. At this time, the clinical significance of this variant is uncertain due to the absence of conclusive functional and genetic evidence.

Ambry Genetics
Classification: Likely benign. Last evaluated: 2022-10-04. Review status: criteria provided, single submitter. Criteria: Ambry Variant Classification Scheme 2023. Collection method: clinical testing. Allele origin: germline.